The following is an entry in ClinVar:

NM_002755.4(MAP2K1):c.291+19A>C

Gene: MAP2K1 (mitogen-activated protein kinase kinase 1; plus strand). Cytogenetic location: 15q22.31.
Variant type: single nucleotide variant.
Coding change: c.291+19A>C on transcript NM_002755.4 (MANE Select); 19 bases into the intron after coding-DNA position 291, A replaced by C.
Molecular consequence: intron variant.
Genome position (GRCh38, 1-based): chr15:66,435,256, A>C. VCF-style: chr15-66435256-A-C. GRCh37 (hg19) VCF-style: chr15-66727594-A-C.
Identifiers: ClinVar variation 987856 (VCV000987856.8), dbSNP rs752759395, ClinGen allele CA715007416.

ClinVar aggregate classification (germline): Likely benign. Review status: criteria provided, multiple submitters, no conflicts (2 of 4 stars). 2 submissions from 2 submitters: Likely benign (2). Last evaluated 2026-01-06.

Conditions:
RASopathy. Also called: rasopathies; Noonan spectrum disorder. Identifiers: Orphanet 536391, MedGen C5555857, MONDO:0021060.

Submissions (2):

Labcorp Genetics (formerly Invitae), Labcorp
Classification: Likely benign for RASopathy. Last evaluated: 2026-01-06. Review status: criteria provided, single submitter. Criteria: Invitae Variant Classification Sherloc (09022015). Collection method: clinical testing. Allele origin: germline.

Women's Health and Genetics/Laboratory Corporation of America, LabCorp
Classification: Likely benign. Last evaluated: 2020-11-16. Review status: criteria provided, single submitter. Criteria: LabCorp Variant Classification Summary - May 2015. Collection method: clinical testing. Allele origin: germline.
Comment: Variant summary: MAP2K1 c.291+19A>C alters a non-conserved nucleotide located in a polymorphic region and close to a canonical splice site. Therefore, it could affect mRNA splicing, leading to a significantly altered protein sequence. 4/4 computational tools predict no significant impact on normal splicing. However, these predictions have yet to be confirmed by functional studies. The variant was absent in 250858 control chromosomes (gnomAD). The available data on variant occurrences in the general population are insufficient to allow any conclusion about variant significance. To our knowledge, no occurrence of c.291+19A>C in individuals affected with Cardiofaciocutaneous Syndrome and no experimental evidence demonstrating its impact on protein function have been reported. No clinical diagnostic laboratories have submitted clinical-significance assessments for this variant to ClinVar after 2014. Based on the evidence outlined above, the variant was classified as likely benign.